The following is an entry in ClinVar:

ClinVar aggregate classification (germline): Uncertain significance. Review status: criteria provided, multiple submitters, no conflicts (2 of 4 stars). 2 submissions from 2 submitters: Uncertain significance (2). Last evaluated 2026-01-13.

Conditions:
Cardiovascular phenotype. Identifiers: MedGen CN230736.
Dilated cardiomyopathy 1W (CMD1W). Identifiers: Orphanet 154, MedGen C1969639, MONDO:0012667, OMIM 611407.

Submissions (2):

Ambry Genetics
Classification: Uncertain significance for Cardiovascular phenotype. Last evaluated: 2026-01-13. Review status: criteria provided, single submitter. Criteria: Ambry Variant Classification Scheme 2023. Collection method: clinical testing. Allele origin: germline.
Comment: The c.2828delC variant, located in coding exon 19 of the VCL gene, results from a deletion of one nucleotide at nucleotide position 2828, causing a translational frameshift with a predicted alternate stop codon (p.P943Lfs*13). This alteration is expected to result in protein truncation or nonsense-mediated mRNA decay. However, loss of function has not been established as a mechanism of disease. Based on the available evidence, the clinical significance of this alteration remains unclear.

Labcorp Genetics (formerly Invitae), Labcorp
Classification: Uncertain significance for Dilated cardiomyopathy 1W. Last evaluated: 2023-05-22. Review status: criteria provided, single submitter. Criteria: Invitae Variant Classification Sherloc (09022015). Collection method: clinical testing. Allele origin: germline.
Comment: ClinVar contains an entry for this variant (Variation ID: 863815). Algorithms developed to predict the effect of sequence changes on RNA splicing suggest that this variant may disrupt the consensus splice site. This variant has not been reported in the literature in individuals affected with VCL-related conditions. This variant is not present in population databases (gnomAD no frequency). This sequence change creates a premature translational stop signal (p.Pro943Leufs*13) in the VCL gene. It is expected to result in an absent or disrupted protein product. However, the current clinical and genetic evidence is not sufficient to establish whether loss-of-function variants in VCL cause disease. In summary, the available evidence is currently insufficient to determine the role of this variant in disease. Therefore, it has been classified as a Variant of Uncertain Significance.

NM_014000.3(VCL):c.2828del (p.Pro943fs)

Gene: VCL (vinculin; plus strand). Cytogenetic location: 10q22.2.
Variant type: Deletion.
Coding change: c.2828del on transcript NM_014000.3 (MANE Select); coding-DNA position 2828, one base deleted (C; older notation c.2828delC).
Protein change: p.Pro943fs; shifts the reading frame from proline 943.
Molecular consequence: frameshift variant. On other transcripts: intron variant (1).
Genome position (GRCh38, 1-based): chr10:74,111,991, C deleted; the last of 6 consecutive C bases (chr10:74,111,986-74,111,991); deleting any one gives the same sequence. VCF-style (leftmost placement, unchanged base first): chr10-74111985-TC-T. GRCh37 (hg19) VCF-style: chr10-75871743-TC-T.
Other names: c.2746-2193del (NM_003373.4); c.2828delC (NM_014000.2); short protein forms P943fs.
Identifiers: ClinVar variation 863815 (VCV000863815.10), dbSNP rs1840230101, ClinGen allele CA916081589.